The following is an entry in ClinVar:

NM_000127.3(EXT1):c.188G>A (p.Arg63His)

Gene: EXT1 (exostosin glycosyltransferase 1; minus strand). Cytogenetic location: 8q24.11.
Variant type: single nucleotide variant.
Coding change: c.188G>A on transcript NM_000127.3 (MANE Select); coding-DNA position 188, G replaced by A.
Protein change: p.Arg63His; replaces arginine 63 with histidine.
Molecular consequence: missense variant.
Genome position (GRCh38, 1-based): chr8:118,110,859, C>T on the plus strand (G>A on the coding strand, the complement: EXT1 is on the minus strand). VCF-style: chr8-118110859-C-T. GRCh37 (hg19) VCF-style: chr8-119123098-C-T.
Other names: short protein forms R63H.
Identifiers: ClinVar variation 2895539 (VCV002895539.3), dbSNP rs187891947, ClinGen allele CA184682542.
Genomic context (GRCh38, chr8:118,110,859, plus strand): 5'-CGGGGGGAAATGTGCACGCTGGAATCCTCGTTTTCCAATTGATCCCAAGGAACGAAGGGG[C>T]GCAGAGCGTCCGGGAAGCGGGGCCAGAAATGATCCGGACTGGGGTGGTGCAAGCCATTCC-3'
Protein context (NP_000118.2, residues 53-73): HFWPRFPDAL[Arg63His]PFVPWDQLEN

ClinVar aggregate classification (germline): Uncertain significance (1 of 4 stars; one submission).

Conditions:
Multiple congenital exostosis (EXT). Also called: Hereditary multiple osteochondromas; Multiple exostoses; Multiple osteochondromas; MULTIPLE CARTILAGINOUS EXOSTOSES; Hereditary multiple exostoses; Hereditary multiple exostosis. Identifiers: Orphanet 321, MedGen C0015306, MONDO:0005508, HP:0002762.

gnomAD v4.1: 1 of 1,613,062 alleles (0.000062%); highest among the groups gnomAD compares: Non-Finnish European, 0.000085%; no homozygotes.

Submission:

Labcorp Genetics (formerly Invitae), Labcorp
Classification: Uncertain significance for Multiple congenital exostosis. Last evaluated: 2023-12-05. Review status: criteria provided, single submitter. Criteria: Invitae Variant Classification Sherloc (09022015). Collection method: clinical testing. Allele origin: germline.
Comment: This sequence change replaces arginine, which is basic and polar, with histidine, which is basic and polar, at codon 63 of the EXT1 protein (p.Arg63His). This variant is present in population databases (no rsID available, gnomAD 0.0009%). This variant has not been reported in the literature in individuals affected with EXT1-related conditions. Advanced modeling of protein sequence and biophysical properties (such as structural, functional, and spatial information, amino acid conservation, physicochemical variation, residue mobility, and thermodynamic stability) performed at Invitae indicates that this missense variant is not expected to disrupt EXT1 protein function with a negative predictive value of 80%. In summary, the available evidence is currently insufficient to determine the role of this variant in disease. Therefore, it has been classified as a Variant of Uncertain Significance.